The following is an entry in ClinVar:

ClinVar aggregate classification (germline): Conflicting classifications of pathogenicity. Review status: criteria provided, conflicting classifications (1 of 4 stars). 5 submissions from 5 submitters: Uncertain significance (4); Likely benign (1). Last evaluated 2024-02-19.

Conditions:
Hereditary breast ovarian cancer syndrome. Also called: Breast and ovarian cancer; Hereditary breast and ovarian cancer; Hereditary breast and ovarian cancer syndrome; Hereditary breast and/or ovarian cancer syndrome; BRCA1- and BRCA2-Associated Hereditary Breast and Ovarian Cancer; Hereditary breast and ovarian cancer syndrome (HBOC). Identifiers: Orphanet 145, MedGen C0677776, MeSH D061325, MONDO:0003582. Disease mechanism: loss of function.
Breast-ovarian cancer, familial, susceptibility to, 1 (BROVCA1). Also called: BRCA1 Hereditary Breast and Ovarian Cancer; OVARIAN CANCER, SUSCEPTIBILITY TO. Identifiers: Orphanet 145, MedGen C2676676, MONDO:0011450, OMIM 604370. Disease mechanism: loss of function.
Hereditary cancer-predisposing syndrome. Also called: Tumor predisposition; Hereditary Cancer Syndrome; Neoplastic Syndromes, Hereditary; Hereditary neoplastic syndrome. Identifiers: Orphanet 140162, MedGen C0027672, MeSH D009386, MONDO:0015356.

Allele frequency attached by ClinVar (database versions not stated): gnomAD exomes below 0.00001.
gnomAD v4.1: 1 of 1,614,084 alleles (0.000062%); highest among the groups gnomAD compares: Non-Finnish European, 0.000085%; no homozygotes.

Submissions (6):

Baylor Genetics
Classification: Uncertain significance for Breast-ovarian cancer, familial, susceptibility to, 1. Last evaluated: 2024-02-19. Review status: criteria provided, single submitter. Criteria: ACMG Guidelines, 2015. Collection method: clinical testing. Allele origin: unknown.

All of Us Research Program, National Institutes of Health
Classification: Uncertain significance for Breast-ovarian cancer, familial, susceptibility to, 1. Last evaluated: 2023-11-02. Review status: criteria provided, single submitter. Criteria: ACMG Guidelines, 2015. Collection method: clinical testing. Allele origin: germline. Inheritance: Autosomal dominant inheritance. Observed: 1 variant allele, 1 heterozygote.
Comment: This missense variant replaces asparagine with serine at codon 1742 of the BRCA1 protein. Computational prediction is inconclusive regarding the impact of this variant on protein structure and function (internally defined REVEL score threshold 0.5 < inconclusive < 0.7, PMID: 27666373). Functional studies have reported conflicting impacts for this variant. This variant is reported to have no impact on BRCA1 function in a human haploid cell proliferation assay and in a mouse embryonic stem (ES) cell model in cisplatin and olaparib sensitivity assays (PMID: 30209399, 32546644) and also deleterious impact in a homology-directed DNA repair assay in the mouse ES-cell model (PMID: 32546644). This variant has been reported in an individual affected with breast cancer (PMID: 29021639) and in a breast cancer case-control meta-analysis in 0/60466 cases and 1/53461 unaffected individuals (PMID: 33471991; Leiden Open Variation Database DB-ID BRCA1_001145). This variant has not been identified in the general population by the Genome Aggregation Database (gnomAD). The available evidence is insufficient to determine the role of this variant in disease conclusively. Therefore, this variant is classified as a Variant of Uncertain Significance.

This study involves interpretation of variants in research participants for the purpose of population health screening. Participant phenotype was not available at the time of variant classification. Additional details can be found in publication PMID: 35346344, PMCID: PMC8962531

Labcorp Genetics (formerly Invitae), Labcorp
Classification: Uncertain significance for Hereditary breast ovarian cancer syndrome. Last evaluated: 2023-08-29. Review status: criteria provided, single submitter. Criteria: Invitae Variant Classification Sherloc (09022015). Collection method: clinical testing. Allele origin: germline.
Comment: Experimental studies are conflicting or provide insufficient evidence to determine the effect of this variant on BRCA1 function (PMID: 30209399, 32546644). In summary, the available evidence is currently insufficient to determine the role of this variant in disease. Therefore, it has been classified as a Variant of Uncertain Significance. Advanced modeling performed at Invitae incorporating data from internal and/or published experimental studies (PMID: 30209399) indicates that this missense variant is not expected to disrupt BRCA1 function. ClinVar contains an entry for this variant (Variation ID: 219464). This missense change has been observed in individual(s) with breast cancer (PMID: 29021639). This variant is not present in population databases (gnomAD no frequency). This sequence change replaces asparagine, which is neutral and polar, with serine, which is neutral and polar, at codon 1742 of the BRCA1 protein (p.Asn1742Ser).

Ambry Genetics
Classification: Likely benign for Hereditary cancer-predisposing syndrome. Last evaluated: 2021-03-18. Review status: criteria provided, single submitter. Criteria: Ambry Variant Classification Scheme 2023. Collection method: clinical testing. Allele origin: germline.

Fulgent Genetics
Classification: Uncertain significance for Breast-ovarian cancer, familial, susceptibility to, 1. Last evaluated: 2015-08-07. Review status: criteria provided, single submitter. Criteria: ACMG Guidelines, 2015. Collection method: clinical testing. Allele origin: unknown. Inheritance: Autosomal dominant inheritance.

Brotman Baty Institute, University of Washington
No classification provided (evidence only). Condition: Breast-ovarian cancer, familial 1. Review status: no classification provided. Collection method: in vitro. Allele origin: not applicable. Functional consequence: functionally_normal. Not counted in ClinVar's aggregate classification.
ClinVar note: "not provided" was previously submitted as the classification for the variant. However, the classification appeared to be based only on an observation of functional data so it was converted to no classification on 2025-07-30.

Literature cited by the submitters: PubMed 29021639 (cited by 3 submitters); PubMed 30209399 (cited by 3 submitters); PubMed 32546644 (cited by All of Us Research Program, National Institutes of Health and Labcorp Genetics (formerly Invitae), Labcorp); PubMed 33471991 (cited by All of Us Research Program, National Institutes of Health).

NM_007294.4(BRCA1):c.5225A>G (p.Asn1742Ser)

Gene: BRCA1 (BRCA1 DNA repair associated; minus strand). Cytogenetic location: 17q21.31.
Variant type: single nucleotide variant.
Coding change: c.5225A>G on transcript NM_007294.4 (MANE Select); coding-DNA position 5225, A replaced by G.
Protein change: p.Asn1742Ser; replaces asparagine 1742 with serine.
Molecular consequence: missense variant. On other transcripts: non-coding transcript variant (1).
Genome position (GRCh38, 1-based): chr17:43,057,104, T>C on the plus strand (A>G on the coding strand, the complement: BRCA1 is on the minus strand). VCF-style: chr17-43057104-T-C. GRCh37 (hg19) VCF-style: chr17-41209121-T-C.
Other names: c.1703A>G, p.Asn568Ser (NM_001408491.1, NM_001408489.1, NM_001408490.1 and 5 more transcripts); c.1700A>G, p.Asn567Ser (NM_001408492.1, NM_001408493.1); c.1676A>G, p.Asn559Ser (NM_001408494.1); c.1670A>G, p.Asn557Ser (NM_001408495.1); c.1652A>G, p.Asn551Ser (NM_001408496.1, NM_001408497.1, NM_001408498.1 and 3 more transcripts); c.1577A>G, p.Asn526Ser (NM_001408508.1); c.1574A>G, p.Asn525Ser (NM_001408509.1); c.1535A>G, p.Asn512Ser (NM_001408510.1); and 72 more; short protein forms N1742S, N1763S, N1695S, N638S, N1445S, N1588S, N1615S, N1654S.
Identifiers: ClinVar variation 219464 (VCV000219464.18), dbSNP rs864622104, ClinGen allele CA348708.